The following is an entry in ClinVar:

ClinVar aggregate classification (germline): Pathogenic (1 of 4 stars; one submission).

Conditions:
Peroxisome biogenesis disorder. Identifiers: Orphanet 79189, MedGen C1832200, MONDO:0019234. Disease mechanism: loss of function.

Submission:

Myriad Genetics, Inc.
Classification: Pathogenic for Peroxisome biogenesis disorder. Last evaluated: 2023-09-27. Review status: criteria provided, single submitter. Criteria: Myriad Autosomal Dominant, Autosomal Recessive and X-Linked Classification Criteria (2023). Collection method: clinical testing. Allele origin: unknown.
Comment: NM_153818.1(PEX10):c.346dupG(E116Gfs*5) is expected to be pathogenic in the context of peroxisome biogenesis disorder type 6. This variant is predicted to lead to an abnormal or absent protein product due to the creation of a premature termination codon in PEX10, a gene where loss-of-function variants are known to be pathogenic. Please note: this variant was assessed in the context of healthy population screening.

NM_002617.4(PEX10):c.346dup (p.Glu116fs)

Gene: PEX10 (peroxisomal biogenesis factor 10; minus strand). Cytogenetic location: 1p36.32.
Variant type: Duplication.
Coding change: c.346dup on transcript NM_002617.4 (MANE Select); coding-DNA position 346, one base duplicated (G; older notation c.346dupG).
Protein change: p.Glu116fs; shifts the reading frame from glutamic acid 116.
Molecular consequence: frameshift variant. On other transcripts: 5 prime UTR variant (2), non-coding transcript variant (1).
Genome position (GRCh38, 1-based): chr1:2,408,706, C duplicated on the plus strand (G on the coding strand, the reverse complement: PEX10 is on the minus strand); the first of 2 consecutive C bases (chr1:2,408,706-2,408,707); duplicating either gives the same sequence. VCF-style (leftmost placement, unchanged base first): chr1-2408705-T-TC. GRCh37 (hg19) VCF-style: chr1-2340144-T-TC.
Other names: c.346dup, p.Glu116fs (NM_001374425.1, NM_153818.2); c.-87dup (NM_001374426.1, NM_001374427.1); short protein forms E116fs.
Identifiers: ClinVar variation 5012252 (VCV005012252.1).